The following is an entry in ClinVar:

ClinVar aggregate classification (germline): Uncertain significance (1 of 4 stars; one submission).

Conditions:
NRP2-related disorder. Also called: NRP2-related condition.

gnomAD v4.1: 9 of 1,613,430 alleles (0.00056%); highest among the groups gnomAD compares: Admixed American, 0.0017%; no homozygotes.

Submission:

PreventionGenetics, part of Exact Sciences
Classification: Uncertain significance for NRP2-related condition. Last evaluated: 2026-08-31. Review status: criteria provided, single submitter. Criteria: ACMG Guidelines, 2015. Collection method: clinical testing. Allele origin: germline.
Comment: The NRP2 c.2578C>A variant is predicted to result in the amino acid substitution p.Arg860Ser. To our knowledge, this variant has not been reported in the literature. This variant is reported in 0.00088% of alleles in individuals of European (Non-Finnish) descent in gnomAD. At this time, the clinical significance of this variant is uncertain due to the absence of conclusive functional and genetic evidence.

NM_003872.3(NRP2):c.2425+9595C>A

Gene: NRP2 (neuropilin 2; plus strand). Cytogenetic location: 2q33.3.
Variant type: single nucleotide variant.
Coding change: c.2425+9595C>A on transcript NM_003872.3 (MANE Select); 9595 bases into the intron after coding-DNA position 2425, C replaced by A.
Molecular consequence: intron variant. On other transcripts: missense variant (2).
Genome position (GRCh38, 1-based): chr2:205,776,398, C>A. VCF-style: chr2-205776398-C-A. GRCh37 (hg19) VCF-style: chr2-206641122-C-A.
Other names: c.2593C>A, p.Arg865Ser (NM_018534.4); c.2578C>A, p.Arg860Ser (NM_201267.2); c.2440+9580C>A (NM_201266.2); c.2425+9595C>A (NM_201279.2); short protein forms R860S, R865S.
Identifiers: ClinVar variation 4978612 (VCV004978612.1).
Genomic context (GRCh38, chr2:205,776,398, plus strand): 5'-GGCGCCGTGCTGGTGCTGGTCTCCGTCGCGCTGGCCCTGGTGCTCCACTACCACCGGTTC[C>A]GCTATGCGGCCAAGAAGACCGATCACTCCATCACCTACAAAACCTCCCACTACACCAACG-3'